The following is an entry in ClinVar:

NM_012062.5(DNM1L):c.741-19G>A

Gene: DNM1L (dynamin 1 like; plus strand). Cytogenetic location: 12p11.21.
Variant type: single nucleotide variant.
Coding change: c.741-19G>A on transcript NM_012062.5 (MANE Select); 19 bases into the intron before coding-DNA position 741, G replaced by A.
Molecular consequence: intron variant.
Genome position (GRCh38, 1-based): chr12:32,720,645, G>A. VCF-style: chr12-32720645-G-A. GRCh37 (hg19) VCF-style: chr12-32873579-G-A.
Other names: c.780-19G>A (NM_001278464.2, NM_001278465.2, NM_001330380.2); c.132-19G>A (NM_001278466.2); c.741-19G>A (NM_001278463.2, NM_012063.4, NM_005690.5).
Identifiers: ClinVar variation 214301 (VCV000214301.13), dbSNP rs79520527, ClinGen allele CA323579.
Genomic context (GRCh38, chr12:32,720,645, plus strand): 5'-ATGCCTGGTGCTGTCATCATCTAAGGTAGGAAGAGGACAACAGTTAAGCTGAATAGTTTC[G>A]TTATTTTTTCAACCTCAGGAGCCAGCTAGATATTAACAACAAGAAGAGTGTAACTGATTC-3'

ClinVar aggregate classification (germline): Benign/Likely benign. Review status: criteria provided, multiple submitters, no conflicts (2 of 4 stars). 4 submissions from 4 submitters: Benign (2); Likely benign (1). 1 of the submissions does not count toward it. Last evaluated 2026-02-03.

Conditions:
Optic atrophy 5 (OPA5). Identifiers: Orphanet 98673, MedGen C1853139, MONDO:0012543, OMIM 610708.
Encephalopathy, lethal, due to defective mitochondrial peroxisomal fission 1. Identifiers: Orphanet 330050, MedGen C3280660, MONDO:0013726, OMIM 614388.

Allele frequency attached by ClinVar (database versions not stated): gnomAD exomes 0.00095 and 0.00222; ExAC 0.00248; 1000 Genomes Project 0.00659; 1000 Genomes Project 30x 0.00781; gnomAD 0.00833 and 0.00897; ESP Exome Variant Server 0.00915; TOPMed 0.00924.
gnomAD v4.1: 2,748 of 1,613,462 alleles (0.17%); highest among the groups gnomAD compares: African/African-American, 2.8%; 42 homozygotes.

Submissions (4):

Labcorp Genetics (formerly Invitae), Labcorp
Classification: Benign. Last evaluated: 2026-02-03. Review status: criteria provided, single submitter. Criteria: Invitae Variant Classification Sherloc (09022015). Collection method: clinical testing. Allele origin: germline.

Fulgent Genetics
Classification: Likely benign for Optic atrophy 5; Encephalopathy, lethal, due to defective mitochondrial peroxisomal fission 1. Last evaluated: 2022-05-17. Review status: criteria provided, single submitter. Criteria: ACMG Guidelines, 2015. Collection method: clinical testing. Allele origin: unknown.

GeneDx
Classification: Benign. Last evaluated: 2014-06-12. Review status: criteria provided, single submitter. Criteria: GeneDx Variant Classification (06012015). Collection method: clinical testing. Allele origin: germline. Affected: yes.
Comment: This variant is considered likely benign or benign based on one or more of the following criteria: it is a conservative change, it occurs at a poorly conserved position in the protein, it is predicted to be benign by multiple in silico algorithms, and/or has population frequency not consistent with disease.

Mayo Clinic Laboratories, Mayo Clinic
Classification: Benign. Last evaluated: 2017-09-27. Review status: no assertion criteria provided. Collection method: clinical testing. Allele origin: unknown. Not counted in ClinVar's aggregate classification.